The following is an entry in ClinVar:

NM_004370.6(COL12A1):c.4418-19T>A

Gene: COL12A1 (collagen type XII alpha 1 chain; minus strand). Cytogenetic location: 6q13.
Variant type: single nucleotide variant.
Coding change: c.4418-19T>A on transcript NM_004370.6 (MANE Select); 19 bases into the intron before coding-DNA position 4418, T replaced by A.
Molecular consequence: intron variant.
Genome position (GRCh38, 1-based): chr6:75,146,263, A>T on the plus strand (T>A on the coding strand, the complement: COL12A1 is on the minus strand). VCF-style: chr6-75146263-A-T. GRCh37 (hg19) VCF-style: chr6-75855979-A-T.
Other names: c.926-19T>A (NM_001424116.1, NM_080645.3); c.4145-19T>A (NM_001424115.1); c.4418-19T>A (NM_001424114.1, NM_001424113.1).
Identifiers: ClinVar variation 4787342 (VCV004787342.1).

ClinVar aggregate classification (germline): Uncertain significance (1 of 4 stars; one submission).

Conditions:
Ullrich congenital muscular dystrophy 2 (UCMD2). Identifiers: Orphanet 75840, MedGen C4225314, MONDO:0014654, OMIM 616470.
Bethlem myopathy 2 (BTHLM2). Identifiers: Orphanet 536516, Orphanet 610, MedGen C4225313, MONDO:0034022, OMIM 616471.

gnomAD v4.1: 1 of 1,583,238 alleles (0.000063%); highest among the groups gnomAD compares: South Asian, 0.0012%; no homozygotes.

Submission:

Labcorp Genetics (formerly Invitae), Labcorp
Classification: Uncertain significance for Bethlem myopathy 2; Ullrich congenital muscular dystrophy 2. Last evaluated: 2026-01-21. Review status: criteria provided, single submitter. Criteria: Invitae Variant Classification Sherloc (09022015). Collection method: clinical testing. Allele origin: germline.
Comment: This sequence change falls in intron 23 of the COL12A1 gene. It does not directly change the encoded amino acid sequence of the COL12A1 protein. This variant is not present in population databases (gnomAD no frequency). This variant has not been reported in the literature in individuals affected with COL12A1-related conditions. Algorithms developed to predict the effect of sequence changes on RNA splicing suggest that this variant may disrupt the consensus splice site. In summary, the available evidence is currently insufficient to determine the role of this variant in disease. Therefore, it has been classified as a Variant of Uncertain Significance.